The following is an entry in ClinVar:

ClinVar aggregate classification (germline): Pathogenic (0 of 4 stars; one submission).

Conditions:
Fanconi anemia complementation group A (FANCA). Also called: Fanconi anemia, group A; FANCA-Related Fanconi Anemia. Identifiers: Orphanet 84, MedGen C3469521, MONDO:0009215, OMIM 227650.

Submission:

Leiden Open Variation Database
Classification: Pathogenic for Fanconi anemia complementation group A. Last evaluated: 2020-02-28. Review status: no assertion criteria provided. Collection method: curation. Allele origin: germline. Affected: yes.
Comment: Curator: Arleen D. Auerbach. Submitter to LOVD: Arleen D. Auerbach.

NM_000135.4(FANCA):c.2054G>C (p.Arg685Thr)

Gene: FANCA (FA complementation group A; minus strand). Cytogenetic location: 16q24.3.
Variant type: single nucleotide variant.
Coding change: c.2054G>C on transcript NM_000135.4 (MANE Select); coding-DNA position 2054, G replaced by C.
Protein change: p.Arg685Thr; replaces arginine 685 with threonine.
Molecular consequence: missense variant.
Genome position (GRCh38, 1-based): chr16:89,771,775, C>G on the plus strand (G>C on the coding strand, the complement: FANCA is on the minus strand). VCF-style: chr16-89771775-C-G. GRCh37 (hg19) VCF-style: chr16-89838183-C-G.
Other names: c.2054G>C, p.Arg685Thr (NM_001286167.3); short protein forms R685T.
Identifiers: ClinVar variation 974235 (VCV000974235.1), dbSNP rs1183781456, ClinGen allele CA397448578.
Genomic context (GRCh38, chr16:89,771,775, plus strand): 5'-CTGAGCTGAATCTTTGATATCTCAACGCTGCTGTCATCCTCATTGTGGCCCAGGACAGCC[C>G]TCAGTCTTTCAGAAATCACTGCCACCTGTGCCGATATAACTGCGAAGGAAGAAACTAGTT-3'
Protein context (NP_000126.2, residues 675-695): AQVAVISERL[Arg685Thr]AVLGHNEDDS